The following is an entry in ClinVar:

ClinVar aggregate classification (germline): Uncertain significance (1 of 4 stars; one submission).

Submission:

GeneDx
Classification: Uncertain significance. Last evaluated: 2023-11-07. Review status: criteria provided, single submitter. Criteria: GeneDx Variant Classification Process June 2021. Collection method: clinical testing. Allele origin: germline. Affected: yes.
Comment: Not observed at significant frequency in large population cohorts (gnomAD); In silico analysis supports that this missense variant does not alter protein structure/function; Has not been previously published as pathogenic or benign to our knowledge

NM_007118.4(TRIO):c.2152C>G (p.Gln718Glu)

Gene: TRIO (trio Rho guanine nucleotide exchange factor; plus strand). Cytogenetic location: 5p15.2.
Variant type: single nucleotide variant.
Coding change: c.2152C>G on transcript NM_007118.4 (MANE Select); coding-DNA position 2152, C replaced by G.
Protein change: p.Gln718Glu; replaces glutamine 718 with glutamic acid.
Molecular consequence: missense variant. On other transcripts: non-coding transcript variant (1).
Genome position (GRCh38, 1-based): chr5:14,358,283, C>G. VCF-style: chr5-14358283-C-G. GRCh37 (hg19) VCF-style: chr5-14358392-C-G.
Other names: short protein forms Q718E.
Identifiers: ClinVar variation 3363238 (VCV003363238.1).